The following is an entry in ClinVar:

NM_007294.4(BRCA1):c.134+3004G>A

Gene: BRCA1 (BRCA1 DNA repair associated; minus strand). Cytogenetic location: 17q21.31.
Variant type: single nucleotide variant.
Coding change: c.134+3004G>A on transcript NM_007294.4 (MANE Select); 3004 bases into the intron after coding-DNA position 134, G replaced by A.
Molecular consequence: intron variant.
Genome position (GRCh38, 1-based): chr17:43,112,722, C>T on the plus strand (G>A on the coding strand, the complement: BRCA1 is on the minus strand). VCF-style: chr17-43112722-C-T. GRCh37 (hg19) VCF-style: chr17-41264739-C-T.
Other names: c.-8+3004G>A (NM_001408458.1, NM_001408470.1, NM_001407848.1 and 47 more transcripts); c.-219+12555G>A (NM_001407967.1); c.-169-7766G>A (NM_001407959.1, NM_001407963.1); c.-7-6189G>A (NM_001407931.1, NM_001407747.1, NM_001408461.1 and 30 more transcripts); c.-170+3004G>A (NM_001407962.1, NM_001408512.1, NM_001408510.1 and 1 more transcripts); c.-55+3004G>A (NM_001407885.1, NM_001407886.1, NM_001408509.1 and 52 more transcripts); c.-123-2142G>A (NM_001407746.1, NM_001408468.1, NM_001407842.1 and 13 more transcripts); c.134+3004G>A (NM_001407686.1, NM_001408397.1, NM_001407632.1 and 191 more transcripts); and 9 more.
Identifiers: ClinVar variation 264785 (VCV000264785.2), dbSNP rs55737636, ClinGen allele CA10588245.

ClinVar aggregate classification (germline): Benign (3 of 4 stars; one submission).

Conditions:
Breast-ovarian cancer, familial, susceptibility to, 1 (BROVCA1). Also called: BRCA1 Hereditary Breast and Ovarian Cancer; OVARIAN CANCER, SUSCEPTIBILITY TO. Identifiers: Orphanet 145, MedGen C2676676, MONDO:0011450, OMIM 604370. Disease mechanism: loss of function.

Allele frequency attached by ClinVar (database versions not stated): gnomAD 0.44813 and 0.45066; 1000 Genomes Project 0.49461; gnomAD exomes 0.50000; 1000 Genomes Project 30x 0.50156.
gnomAD v4.1: 68,168 of 151,706 alleles (45%); highest among the groups gnomAD compares: African/African-American, 68%; 17,023 homozygotes.

Submission:

Evidence-based Network for the Interpretation of Germline Mutant Alleles (ENIGMA)
Classification: Benign for Breast-ovarian cancer, familial, susceptibility to, 1. Last evaluated: 2016-09-28. Review status: reviewed by expert panel. Criteria: ENIGMA BRCA1/2 Classification Criteria (2015). Collection method: curation. Allele origin: germline.
Comment: Class 1 not pathogenic based on frequency >1% in an outbred sampleset. Frequency 0.3628 (European), 0.7254 (African), 0.3991 (Admixed American/Latino), 0.37 (East Asian), 0.5143 (South Asian), derived from 1000 genomes (2013-05-02).